The following is an entry in ClinVar:

NM_000218.3(KCNQ1):c.1514+17320G>A

Genes: KCNQ1 (potassium voltage-gated channel subfamily Q member 1; plus strand), KCNQ1OT1 (KCNQ1 opposite strand/antisense transcript 1; minus strand). Cytogenetic location: 11p15.5.
Variant type: single nucleotide variant.
Coding change: c.1514+17320G>A on transcript NM_000218.3 (MANE Select); 17320 bases into the intron after coding-DNA position 1514, G replaced by A.
Molecular consequence: intron variant. On other transcripts: non-coding transcript variant (1).
Genome position (GRCh38, 1-based): chr11:2,679,401, G>A. VCF-style: chr11-2679401-G-A. GRCh37 (hg19) VCF-style: chr11-2700631-G-A.
Other names: c.1244+17320G>A (NM_001406837.1); c.1418+17320G>A (NM_001406836.1); c.974+17320G>A (NM_001406838.1); c.1133+17320G>A (NM_181798.2).
Identifiers: ClinVar variation 3251185 (VCV003251185.18), dbSNP rs191695559.

ClinVar aggregate classification (germline): Benign (1 of 4 stars; one submission).

Allele frequency attached by ClinVar (database versions not stated): gnomAD exomes 0.00004; gnomAD 0.00032; 1000 Genomes Project 0.00040; TOPMed 0.00040; 1000 Genomes Project 30x 0.00062.
gnomAD v4.1: 59 of 398,604 alleles (0.015%); highest among the groups gnomAD compares: African/African-American, 0.1%; no homozygotes.

Submission:

CeGaT Center for Human Genetics Tuebingen
Classification: Benign. Last evaluated: 2024-07-01. Review status: criteria provided, single submitter. Criteria: CeGaT Center For Human Genetics Tuebingen Variant Classification Criteria Version 2. Collection method: clinical testing. Allele origin: germline. Affected: yes. Observed: 1 variant allele.
Comment: KCNQ1OT1: BS1, BS2